The following is an entry in ClinVar:

ClinVar aggregate classification (germline): Likely benign. Review status: criteria provided, multiple submitters, no conflicts (2 of 4 stars). 2 submissions from 2 submitters: Likely benign (2). Last evaluated 2025-02-05.

Conditions:
SPTBN1-related disorder. Also called: SPTBN1-related condition.

gnomAD v4.1: 307 of 1,613,794 alleles (0.019%); highest among the groups gnomAD compares: East Asian, 0.18%; 2 homozygotes.

Submissions (2):

PreventionGenetics, part of Exact Sciences
Classification: Likely benign for SPTBN1-related condition. Last evaluated: 2025-02-05. Review status: criteria provided, single submitter. Criteria: ACMG Guidelines, 2015. Collection method: clinical testing. Allele origin: germline.
Comment: This variant is classified as likely benign based on ACMG/AMP sequence variant interpretation guidelines (Richards et al. 2015 PMID: 25741868, with internal and published modifications).

Blueprint Genetics
Classification: Likely benign. Last evaluated: 2024-07-04. Review status: criteria provided, single submitter. Criteria: ACMG Guidelines, 2015. Collection method: clinical testing. Allele origin: germline.

NM_003128.3(SPTBN1):c.2544T>G (p.Thr848=)

Gene: SPTBN1 (spectrin beta, non-erythrocytic 1; plus strand). Cytogenetic location: 2p16.2.
Variant type: single nucleotide variant.
Coding change: c.2544T>G on transcript NM_003128.3 (MANE Select); coding-DNA position 2544, T replaced by G.
Protein change: p.Thr848=; no amino-acid change (threonine 848 retained).
Molecular consequence: synonymous variant.
Genome position (GRCh38, 1-based): chr2:54,629,678, T>G. VCF-style: chr2-54629678-T-G. GRCh37 (hg19) VCF-style: chr2-54856815-T-G.
Other names: c.2505T>G, p.Thr835= (NM_178313.3); c.2544T>G (NM_003128.2).
Identifiers: ClinVar variation 4955141 (VCV004955141.2).